The following is an entry in ClinVar:

ClinVar aggregate classification (germline): Uncertain significance (1 of 4 stars; one submission).

Allele frequency attached by ClinVar (database versions not stated): gnomAD exomes below 0.00001.
gnomAD v4.1: 1 of 1,612,532 alleles (0.000062%); highest among the groups gnomAD compares: South Asian, 0.0011%; no homozygotes.

Submission:

Labcorp Genetics (formerly Invitae), Labcorp
Classification: Uncertain significance. Last evaluated: 2023-07-17. Review status: criteria provided, single submitter. Criteria: Invitae Variant Classification Sherloc (09022015). Collection method: clinical testing. Allele origin: germline.
Comment: In summary, the available evidence is currently insufficient to determine the role of this variant in disease. Therefore, it has been classified as a Variant of Uncertain Significance. Advanced modeling of protein sequence and biophysical properties (such as structural, functional, and spatial information, amino acid conservation, physicochemical variation, residue mobility, and thermodynamic stability) has been performed at Invitae for this missense variant, however the output from this modeling did not meet the statistical confidence thresholds required to predict the impact of this variant on ADGRV1 protein function. ClinVar contains an entry for this variant (Variation ID: 2014794). This variant has not been reported in the literature in individuals affected with ADGRV1-related conditions. This variant is not present in population databases (gnomAD no frequency). This sequence change replaces glycine, which is neutral and non-polar, with serine, which is neutral and polar, at codon 1119 of the ADGRV1 protein (p.Gly1119Ser).

NM_032119.4(ADGRV1):c.3355G>A (p.Gly1119Ser)

Gene: ADGRV1 (adhesion G protein-coupled receptor V1; plus strand). Cytogenetic location: 5q14.3.
Variant type: single nucleotide variant.
Coding change: c.3355G>A on transcript NM_032119.4 (MANE Select); coding-DNA position 3355, G replaced by A.
Protein change: p.Gly1119Ser; replaces glycine 1119 with serine.
Molecular consequence: missense variant. On other transcripts: non-coding transcript variant (1).
Genome position (GRCh38, 1-based): chr5:90,651,669, G>A. VCF-style: chr5-90651669-G-A. GRCh37 (hg19) VCF-style: chr5-89947486-G-A.
Other names: short protein forms G1119S.
Identifiers: ClinVar variation 2014794 (VCV002014794.4), dbSNP rs2532067647, ClinGen allele CA360395793.